The following is an entry in ClinVar:

ClinVar aggregate classification (germline): Uncertain significance. Review status: criteria provided, multiple submitters, no conflicts (2 of 4 stars). 3 submissions from 3 submitters: Uncertain significance (3). Last evaluated 2025-02-19.

Conditions:
Inborn genetic diseases. Identifiers: MedGen C0950123, MeSH D030342.

Allele frequency attached by ClinVar (database versions not stated): TOPMed 0.00001; ExAC 0.00002; gnomAD exomes 0.00002; gnomAD 0.00003.
gnomAD v4.1: 36 of 1,614,016 alleles (0.0022%); highest among the groups gnomAD compares: Middle Eastern, 0.016%; no homozygotes.

Submissions (3):

Labcorp Genetics (formerly Invitae), Labcorp
Classification: Uncertain significance. Last evaluated: 2025-02-19. Review status: criteria provided, single submitter. Criteria: Invitae Variant Classification Sherloc (09022015). Collection method: clinical testing. Allele origin: germline.
Comment: This sequence change replaces proline, which is neutral and non-polar, with leucine, which is neutral and non-polar, at codon 143 of the TRPV6 protein (p.Pro143Leu). This variant is present in population databases (rs754442854, gnomAD 0.03%). This variant has not been reported in the literature in individuals affected with TRPV6-related conditions. ClinVar contains an entry for this variant (Variation ID: 2402998). Experimental studies and prediction algorithms are not available or were not evaluated, and the functional significance of this variant is currently unknown. In summary, the available evidence is currently insufficient to determine the role of this variant in disease. Therefore, it has been classified as a Variant of Uncertain Significance.

Blueprint Genetics
Classification: Uncertain significance. Last evaluated: 2024-10-23. Review status: criteria provided, single submitter. Criteria: ACMG Guidelines, 2015. Collection method: clinical testing. Allele origin: germline.

Ambry Genetics
Classification: Uncertain significance for Inborn genetic diseases. Last evaluated: 2021-12-17. Review status: criteria provided, single submitter. Criteria: Ambry Variant Classification Scheme 2023. Collection method: clinical testing. Allele origin: germline.

NM_018646.6(TRPV6):c.428C>T (p.Pro143Leu)

Gene: TRPV6 (transient receptor potential cation channel subfamily V member 6; minus strand). Cytogenetic location: 7q34.
Variant type: single nucleotide variant.
Coding change: c.428C>T on transcript NM_018646.6 (MANE Select); coding-DNA position 428, C replaced by T.
Protein change: p.Pro143Leu; replaces proline 143 with leucine.
Molecular consequence: missense variant.
Genome position (GRCh38, 1-based): chr7:142,877,692, G>A on the plus strand (C>T on the coding strand, the complement: TRPV6 is on the minus strand). VCF-style: chr7-142877692-G-A. GRCh37 (hg19) VCF-style: chr7-142575445-G-A.
Other names: short protein forms P143L.
Identifiers: ClinVar variation 2402998 (VCV002402998.4), dbSNP rs754442854, ClinGen allele CA4532875.